The following is an entry in ClinVar:

ClinVar aggregate classification (germline): Uncertain significance (1 of 4 stars; one submission).

Conditions:
Schaaf-Yang syndrome (SHFYNG). Also called: MAGEL2-related Prader-Willi-like syndrome; Arthrogryposis, distal, with hypopituitarism, intellectual disability, and facial anomalies. Identifiers: Orphanet 398069, MedGen C5575066, MONDO:0014243, OMIM 615547.

Submission:

OLLIN Analises Genomicas, OLLIN
Classification: Uncertain significance for Schaaf-Yang syndrome. Last evaluated: 2026-08-06. Review status: criteria provided, single submitter. Criteria: ACMG Guidelines 2015 PMID 25741868. Collection method: clinical testing. Allele origin: germline. Inheritance: Autosomal dominant inheritance.
Comment: This frameshift variant, located in exon 1 (of 1), has been observed in gnomAD with an allele frequency of 0.000062%, but has not been reported in ClinVar or identified in the literature. This variant causes a frameshift and introduces a premature stop codon, which is predicted to result in either a truncated protein or degradation of the mRNA via nonsense-mediated decay (NMD). According to the currently available evidence, this variant has been classified as uncertain significance (PVS1_S).

NM_019066.5(MAGEL2):c.1388_1389insCAGGCCCCCCC (p.Val464fs)

Gene: MAGEL2 (MAGE family member L2; minus strand). Cytogenetic location: 15q11.2.
Variant type: Microsatellite.
Coding change: c.1388_1389insCAGGCCCCCCC on transcript NM_019066.5 (MANE Select); coding-DNA positions 1388 to 1389, CAGGCCCCCCC inserted.
Protein change: p.Val464fs; shifts the reading frame from valine 464.
Molecular consequence: frameshift variant.
Genome position: GRCh38 VCF-style: chr15-23646354-A-AGGGGGGGCCTG. GRCh37 (hg19) VCF-style: chr15-23891501-A-AGGGGGGGCCTG.
Other names: short protein forms V464fs.
Identifiers: ClinVar variation 5003161 (VCV005003161.1).
Genomic context (GRCh38, chr15:23,646,354, plus strand): 5'-TGGAGCCTGGCGGATCACAGGTGGGGCCTGGCGGATCACAGGTGGGGCCTGGCGGATCAC[A>AGGGGGGGCCTG]GCGGGGGCCTGGCGGATCACGGGTGGGGCCTGGCGGATCACGGGTGGGGCCTGGCGGATC-3'